The following is an entry in ClinVar:

NM_000466.3(PEX1):c.2873_2875delinsT (p.Asp958fs)

Genes: GATAD1 (GATA zinc finger domain containing 1; plus strand), PEX1 (peroxisomal biogenesis factor 1; minus strand). Cytogenetic location: 7q21.2.
Variant type: Indel.
Coding change: c.2873_2875delinsT on transcript NM_000466.3 (MANE Select); coding-DNA positions 2873 to 2875, ACC replaced by T.
Protein change: p.Asp958fs; shifts the reading frame from aspartic acid 958.
Molecular consequence: frameshift variant.
Genome position (GRCh38, 1-based): chr7:92,494,538-92,494,540, GGT replaced by A on the plus strand (ACC replaced by T on the coding strand, the reverse complement: PEX1 is on the minus strand). VCF-style: chr7-92494538-GGT-A. GRCh37 (hg19) VCF-style: chr7-92123852-GGT-A.
Other names: c.2873_2875delACCinsT (NM_000466.3, NM_000466.2); c.2702_2704delinsT, p.Asp901fs (NM_001282677.2); c.2249_2251delinsT, p.Asp750fs (NM_001282678.2); short protein forms D750fs, D901fs, D958fs.
Identifiers: ClinVar variation 1065420 (VCV001065420.6), dbSNP rs2116094537, ClinGen allele CA2499219047.

ClinVar aggregate classification (germline): Conflicting classifications of pathogenicity. Review status: criteria provided, conflicting classifications (1 of 4 stars). 5 submissions from 5 submitters: Likely pathogenic (4); Uncertain significance (1). Last evaluated 2025-03-09.

Conditions:
Heimler syndrome 1 (HMLR1). Also called: PEROXISOME BIOGENESIS DISORDER 1C. Identifiers: Orphanet 3220, MedGen C4551980, OMIM 234580, MONDO:0024544.
Zellweger spectrum disorders (ZS). Also called: Zellweger Spectrum Disorder; Zellweger Spectrum; Zellweger syndrome; Zellweger Spectrum Disorder (ZSD). Identifiers: Orphanet 912, MedGen C0043459, MONDO:0019609.
Peroxisome biogenesis disorder 1A (Zellweger) (PBD1A). Also called: Peroxisome biogenesis disorder 1a; Zellweger leukodystrophy. Identifiers: MedGen C4721541, MONDO:0008953, OMIM 214100.
Peroxisome biogenesis disorder 1B (PBD1B). Also called: PEROXISOME BIOGENESIS DISORDER (NALD/IRD); ADRENOLEUKODYSTROPHY, AUTOSOMAL NEONATAL; PEROXISOME BIOGENESIS DISORDER (NEONATAL ADRENOLEUKODYSTROPHY/INFANTILE REFSUM DISEASE); INFANTILE PHYTANIC ACID STORAGE DISEASE; Refsum disease, infantile form; Infantile Refsum disease. Identifiers: Orphanet 44, MedGen C0282527, MONDO:0011101, OMIM 601539.

Submissions (5):

Natera, Inc.
Classification: Likely pathogenic for Zellweger syndrome. Last evaluated: 2025-03-09. Review status: criteria provided, single submitter. Criteria: Natera Variant Classification Schema (03/2026). Collection method: clinical testing. Allele origin: germline.
Comment: The c.2873_2875delACCinsT variant in PEX1 is a frameshift variant predicted to shift the reading frame beginning at codon 958 and leads to a stop codon 4 codons downstream. This variant is expected to result in nonsense mediated decay, truncation, or a dysfunctional protein product. This variant is rare in the general population with a frequency below the threshold expected for the associated phenotype(s). Given the available evidence, this variant is classified as Likely Pathogenic.

Women's Health and Genetics/Laboratory Corporation of America, LabCorp
Classification: Likely pathogenic for Heimler syndrome 1. Last evaluated: 2024-07-05. Review status: criteria provided, single submitter. Criteria: LabCorp Variant Classification Summary - May 2015. Collection method: clinical testing. Allele origin: germline.
Comment: Variant summary: PEX1 c.2873_2875delinsT (p.Asp958ValfsX4) results in a premature termination codon, predicted to cause absence of the protein due to nonsense mediated decay, which is a commonly known mechanism for disease. The variant allele was found at a frequency of 4e-06 in 251342 control chromosomes. To our knowledge, no occurrence of c.2873_2875delinsT in individuals affected with Heimler Syndrome 1 and no experimental evidence demonstrating its impact on protein function have been reported. ClinVar contains an entry for this variant (Variation ID: 1065420). Based on the evidence outlined above, the variant was classified as pathogenic.

Fulgent Genetics
Classification: Likely pathogenic for Peroxisome biogenesis disorder 1A (Zellweger); Heimler syndrome 1; Peroxisome biogenesis disorder 1B. Last evaluated: 2024-04-15. Review status: criteria provided, single submitter. Criteria: ACMG Guidelines, 2015. Collection method: clinical testing. Allele origin: germline.

Baylor Genetics
Classification: Likely pathogenic for Heimler syndrome 1. Last evaluated: 2023-09-19. Review status: criteria provided, single submitter. Criteria: ACMG Guidelines, 2015. Collection method: clinical testing. Allele origin: unknown.

Genomic Medicine Lab, University of California San Francisco
Classification: Uncertain significance for Peroxisome biogenesis disorder 1A (Zellweger). Last evaluated: 2020-01-23. Review status: criteria provided, single submitter. Criteria: ACMG Guidelines, 2015. Collection method: clinical testing. Allele origin: maternal. Inheritance: Autosomal recessive inheritance. Affected: yes. Study: CSER-P3EGS.